The following is an entry in ClinVar:

ClinVar aggregate classification (germline): Uncertain significance. Review status: criteria provided, multiple submitters, no conflicts (2 of 4 stars). 3 submissions from 3 submitters: Uncertain significance (3). Last evaluated 2024-08-13.

Conditions:
Cardiovascular phenotype. Identifiers: MedGen CN230736.
Cardiomyopathy (CMYO). Also called: Cardiomyopathies. Identifiers: Orphanet 167848, MedGen C0878544, MONDO:0004994, HP:0001638. Inheritance: Various modes of inheritance.
Arrhythmogenic cardiomyopathy with wooly hair and keratoderma. Also called: PALMOPLANTAR KERATODERMA WITH LEFT VENTRICULAR CARDIOMYOPATHY AND WOOLLY HAIR; Carvajal syndrome; Dilated cardiomyopathy with woolly hair and keratoderma; Arrhythmogenic cardiomyopathy with woolly hair and keratoderma. Identifiers: Orphanet 65282, MedGen C1854063, MONDO:0011581, OMIM 605676.

Allele frequency attached by ClinVar (database versions not stated): gnomAD 0.00001; TOPMed 0.00002.
gnomAD v4.1: 1 of 1,613,534 alleles (0.000062%); highest among the groups gnomAD compares: African/African-American, 0.0013%; no homozygotes.

Submissions (3):

All of Us Research Program, National Institutes of Health
Classification: Uncertain significance for Arrhythmogenic cardiomyopathy with wooly hair and keratoderma. Last evaluated: 2024-08-13. Review status: criteria provided, single submitter. Criteria: ACMG Guidelines, 2015. Collection method: clinical testing. Allele origin: germline. Inheritance: Autosomal dominant inheritance. Observed: 2 variant alleles, 2 heterozygotes.
Comment: This missense variant replaces valine with phenylalanine at codon 1176 of the DSP protein. Computational prediction suggests that this variant may not impact protein structure and function. To our knowledge, functional studies have not been reported for this variant. This variant has not been reported in individuals affected with DSP-related disorders in the literature. This variant has not been identified in the general population by the Genome Aggregation Database (gnomAD). The available evidence is insufficient to determine the role of this variant in disease conclusively. Therefore, this variant is classified as a Variant of Uncertain Significance.

This study involves interpretation of variants in research participants for the purpose of population health screening. Participant phenotype was not available at the time of variant classification. Additional details can be found in publication PMID: 35346344, PMCID: PMC8962531

Color Diagnostics, LLC DBA Color Health
Classification: Uncertain significance for Cardiomyopathy. Last evaluated: 2024-07-31. Review status: criteria provided, single submitter. Criteria: ACMG Guidelines, 2015. Collection method: clinical testing. Allele origin: germline.
Comment: This missense variant replaces valine with phenylalanine at codon 1176 of the DSP protein. Computational prediction suggests that this variant may not impact protein structure and function. To our knowledge, functional studies have not been reported for this variant. This variant has not been reported in individuals affected with DSP-related disorders in the literature. This variant has not been identified in the general population by the Genome Aggregation Database (gnomAD). The available evidence is insufficient to determine the role of this variant in disease conclusively. Therefore, this variant is classified as a Variant of Uncertain Significance.

Ambry Genetics
Classification: Uncertain significance for Cardiovascular phenotype. Last evaluated: 2024-06-26. Review status: criteria provided, single submitter. Criteria: Ambry Variant Classification Scheme 2023. Collection method: clinical testing. Allele origin: germline.
Comment: The p.V1176F variant (also known as c.3526G>T), located in coding exon 23 of the DSP gene, results from a G to T substitution at nucleotide position 3526. The valine at codon 1176 is replaced by phenylalanine, an amino acid with highly similar properties. This amino acid position is not well conserved in available vertebrate species. In addition, the in silico prediction for this alteration is inconclusive. Based on the available evidence, the clinical significance of this variant remains unclear.

NM_004415.4(DSP):c.3526G>T (p.Val1176Phe)

Gene: DSP (desmoplakin; plus strand). Cytogenetic location: 6p24.3.
Variant type: single nucleotide variant.
Coding change: c.3526G>T on transcript NM_004415.4 (MANE Select); coding-DNA position 3526, G replaced by T.
Protein change: p.Val1176Phe; replaces valine 1176 with phenylalanine.
Molecular consequence: missense variant.
Genome position (GRCh38, 1-based): chr6:7,579,716, G>T. VCF-style: chr6-7579716-G-T. GRCh37 (hg19) VCF-style: chr6-7579949-G-T.
Other names: c.3526G>T, p.Val1176Phe (NM_001319034.2, NM_001008844.3); short protein forms V1176F.
Identifiers: ClinVar variation 924551 (VCV000924551.7), dbSNP rs1261167694, ClinGen allele CA362684265.